The following is an entry in ClinVar:

ClinVar aggregate classification (germline): Likely pathogenic (1 of 4 stars; one submission).

Conditions:
Alpha thalassemia-X-linked intellectual disability syndrome (ATRX). Also called: ALPHA-THALASSEMIA/MENTAL RETARDATION SYNDROME, X-LINKED; ATR, NONDELETION TYPE; ATR-X syndrome; Alpha thalassemia mental retardation syndrome, nondeletion type, X-linked; XLMR hypotonic face syndrome; X-linked alpha-thalassemia-mental retardation syndrome. Identifiers: Orphanet 847, MedGen C1845055, MONDO:0010519, OMIM 301040.

Submission:

Labcorp Genetics (formerly Invitae), Labcorp
Classification: Likely pathogenic for Alpha thalassemia-X-linked intellectual disability syndrome. Last evaluated: 2025-02-26. Review status: criteria provided, single submitter. Criteria: Invitae Variant Classification Sherloc (09022015). Collection method: clinical testing. Allele origin: germline.
Comment: This sequence change affects an acceptor splice site in intron 6 of the ATRX gene. It is expected to disrupt RNA splicing. Variants that disrupt the donor or acceptor splice site typically lead to a loss of protein function (PMID: 16199547), and loss-of-function variants in ATRX are known to be pathogenic (PMID: 15591283, 18409179, 23681356). This variant is not present in population databases (gnomAD no frequency). Disruption of this splice site has been observed in individual(s) with perineal hypospadias (PMID: 36496321). ClinVar contains an entry for this variant (Variation ID: 1067789). Algorithms developed to predict the effect of sequence changes on RNA splicing suggest that this variant may disrupt the consensus splice site. In summary, the currently available evidence indicates that the variant is pathogenic, but additional data are needed to prove that conclusively. Therefore, this variant has been classified as Likely Pathogenic.

Literature cited by the submitters: PubMed 16199547; PubMed 15591283; PubMed 18409179; PubMed 23681356; PubMed 36496321.

NM_000489.6(ATRX):c.485-1G>A

Gene: ATRX (ATRX chromatin remodeler; minus strand). Cytogenetic location: Xq21.1.
Variant type: single nucleotide variant.
Coding change: c.485-1G>A on transcript NM_000489.6 (MANE Select); the canonical splice acceptor site of the intron before coding-DNA position 485, G replaced by A.
Molecular consequence: splice acceptor variant.
Genome position (GRCh38, 1-based): chrX:77,688,928, C>T on the plus strand (G>A on the coding strand, the complement: ATRX is on the minus strand). VCF-style: chrX-77688928-C-T. GRCh37 (hg19) VCF-style: chrX-76944421-C-T.
Other names: c.371-1G>A (NM_138270.5).
Identifiers: ClinVar variation 1067789 (VCV001067789.9), dbSNP rs2148657465, ClinGen allele CA413722825.
Genomic context (GRCh38, chrX:77,688,928, plus strand): 5'-GAAAATGATTGACCTGTTGTCCACAAGCAGTGCAGCTCACAATCCCATGAAGCCCATCTT[C>T]TAGGAGAAAGGAGTGGCTATTATTCACACATTTATACACAGAAAAAGATACTTACTTTAG-3'